The following is an entry in ClinVar:

NM_022047.4(DEF6):c.1484A>G (p.Gln495Arg)

Gene: DEF6 (DEF6 guanine nucleotide exchange factor; plus strand). Cytogenetic location: 6p21.31.
Variant type: single nucleotide variant.
Coding change: c.1484A>G on transcript NM_022047.4 (MANE Select); coding-DNA position 1484, A replaced by G.
Protein change: p.Gln495Arg; replaces glutamine 495 with arginine.
Molecular consequence: missense variant.
Genome position (GRCh38, 1-based): chr6:35,319,920, A>G. VCF-style: chr6-35319920-A-G. GRCh37 (hg19) VCF-style: chr6-35287697-A-G.
Other names: short protein forms Q495R.
Identifiers: ClinVar variation 1486896 (VCV001486896.5), dbSNP rs1456745709, ClinGen allele CA363768322.

ClinVar aggregate classification (germline): Uncertain significance (1 of 4 stars; one submission).

Allele frequency attached by ClinVar (database versions not stated): gnomAD exomes below 0.00001; TOPMed below 0.00001.
gnomAD v4.1: 4 of 1,571,104 alleles (0.00025%); highest among the groups gnomAD compares: Non-Finnish European, 0.00035%; no homozygotes.

Submission:

Labcorp Genetics (formerly Invitae), Labcorp
Classification: Uncertain significance. Last evaluated: 2021-09-02. Review status: criteria provided, single submitter. Criteria: Invitae Variant Classification Sherloc (09022015). Collection method: clinical testing. Allele origin: germline.
Comment: This sequence change replaces glutamine with arginine at codon 495 of the DEF6 protein (p.Gln495Arg). The glutamine residue is moderately conserved and there is a small physicochemical difference between glutamine and arginine. This variant is not present in population databases (ExAC no frequency). This variant has not been reported in the literature in individuals affected with DEF6-related conditions. Algorithms developed to predict the effect of missense changes on protein structure and function (SIFT, PolyPhen-2, Align-GVGD) all suggest that this variant is likely to be tolerated. In summary, the available evidence is currently insufficient to determine the role of this variant in disease. Therefore, it has been classified as a Variant of Uncertain Significance.